The following is an entry in ClinVar:

ClinVar aggregate classification (germline): Likely benign. Review status: criteria provided, multiple submitters, no conflicts (2 of 4 stars). 2 submissions from 2 submitters: Likely benign (2). Last evaluated 2025-03-05.

Allele frequency attached by ClinVar (database versions not stated): gnomAD 0.00001; gnomAD exomes 0.00002; ExAC 0.00003.

Submissions (2):

Mayo Clinic Laboratories, Mayo Clinic
Classification: Likely benign. Last evaluated: 2025-03-05. Review status: criteria provided, single submitter. Criteria: ACMG Guidelines, 2015. Collection method: clinical testing. Allele origin: germline. Observed: 1 variant allele.
Comment: BP4, BP7

Labcorp Genetics (formerly Invitae), Labcorp
Classification: Likely benign. Last evaluated: 2022-06-20. Review status: criteria provided, single submitter. Criteria: Invitae Variant Classification Sherloc (09022015). Collection method: clinical testing. Allele origin: germline.

NM_012062.5(DNM1L):c.1596+10del

Gene: DNM1L (dynamin 1 like; plus strand). Cytogenetic location: 12p11.21.
Variant type: Deletion.
Coding change: c.1596+10del on transcript NM_012062.5 (MANE Select); 10 bases into the intron after coding-DNA position 1596, one base deleted (T; older notation c.1596+10delT).
Molecular consequence: intron variant.
Genome position (GRCh38, 1-based): chr12:32,737,171, T deleted. VCF-style (leftmost placement, unchanged base first): chr12-32737170-AT-A. GRCh37 (hg19) VCF-style: chr12-32890104-AT-A.
Other names: p.?; c.1635+10del (NM_001278464.2, NM_001278465.2, NM_001330380.2); c.987+10del (NM_001278466.2); c.1596+10del (NM_001278463.2, NM_012063.4, NM_005690.5).
Identifiers: ClinVar variation 2144894 (VCV002144894.5), dbSNP rs781243898, ClinGen allele CA6507599.